The following is an entry in ClinVar:

NM_001288985.2(ABCA8):c.2291A>T (p.Asp764Val)

Gene: ABCA8 (ATP binding cassette subfamily A member 8; minus strand). Cytogenetic location: 17q24.2.
Variant type: single nucleotide variant.
Coding change: c.2291A>T on transcript NM_001288985.2 (MANE Select); coding-DNA position 2291, A replaced by T.
Protein change: p.Asp764Val; replaces aspartic acid 764 with valine.
Molecular consequence: missense variant.
Genome position (GRCh38, 1-based): chr17:68,906,151, T>A on the plus strand (A>T on the coding strand, the complement: ABCA8 is on the minus strand). VCF-style: chr17-68906151-T-A. GRCh37 (hg19) VCF-style: chr17-66902292-T-A.
Other names: c.2291A>T, p.Asp764Val (NM_001288986.2); c.2108A>T, p.Asp703Val (NM_001375771.1); c.869A>T, p.Asp290Val (NM_001375772.1); c.2171A>T, p.Asp724Val (NM_007168.4); short protein forms D290V, D703V, D724V, D764V.
Identifiers: ClinVar variation 2648155 (VCV002648155.24), dbSNP rs2509503209, ClinGen allele CA400764905.

ClinVar aggregate classification (germline): Uncertain significance (1 of 4 stars; one submission).

Submission:

CeGaT Center for Human Genetics Tuebingen
Classification: Uncertain significance. Last evaluated: 2022-09-01. Review status: criteria provided, single submitter. Criteria: CeGaT Center For Human Genetics Tuebingen Variant Classification Criteria Version 2. Collection method: clinical testing. Allele origin: germline. Affected: yes. Observed: 1 variant allele.
Comment: ABCA8: PM2, BP4